The following is an entry in ClinVar:

ClinVar aggregate classification (germline): Uncertain significance (1 of 4 stars; one submission).

Allele frequency attached by ClinVar (database versions not stated): gnomAD 0.00001.
gnomAD v4.1: 3 of 1,613,284 alleles (0.00019%); highest among the groups gnomAD compares: African/African-American, 0.0013%; no homozygotes.

Submission:

Labcorp Genetics (formerly Invitae), Labcorp
Classification: Uncertain significance. Last evaluated: 2025-03-04. Review status: criteria provided, single submitter. Criteria: Invitae Variant Classification Sherloc (09022015). Collection method: clinical testing. Allele origin: germline.
Comment: This sequence change replaces arginine, which is basic and polar, with leucine, which is neutral and non-polar, at codon 471 of the COL9A3 protein (p.Arg471Leu). This variant is not present in population databases (gnomAD no frequency). This variant has not been reported in the literature in individuals affected with COL9A3-related conditions. ClinVar contains an entry for this variant (Variation ID: 2986889). Invitae Evidence Modeling of protein sequence and biophysical properties (such as structural, functional, and spatial information, amino acid conservation, physicochemical variation, residue mobility, and thermodynamic stability) indicates that this missense variant is not expected to disrupt COL9A3 protein function with a negative predictive value of 95%. In summary, the available evidence is currently insufficient to determine the role of this variant in disease. Therefore, it has been classified as a Variant of Uncertain Significance.

NM_001853.4(COL9A3):c.1412G>T (p.Arg471Leu)

Genes: COL9A3 (collagen type IX alpha 3 chain; plus strand), LOC126863084 (MED14-independent group 3 enhancer GRCh37_chr20:61467141-61468340; plus strand). Cytogenetic location: 20q13.33.
Variant type: single nucleotide variant.
Coding change: c.1412G>T on transcript NM_001853.4 (MANE Select); coding-DNA position 1412, G replaced by T.
Protein change: p.Arg471Leu; replaces arginine 471 with leucine.
Molecular consequence: missense variant.
Genome position (GRCh38, 1-based): chr20:62,836,197, G>T. VCF-style: chr20-62836197-G-T. GRCh37 (hg19) VCF-style: chr20-61467549-G-T.
Other names: short protein forms R471L.
Identifiers: ClinVar variation 2986889 (VCV002986889.3), dbSNP rs1440423945, ClinGen allele CA409596934.
Genomic context (GRCh38, chr20:62,836,197, plus strand): 5'-TCTGGGCTCCTGGGCTCGCCCCTGACCCACCTTCCTCTGTTCCTCTGCAGTCTGGCAGTC[G>T]AGGGGAGCTGGGCCCCAAAGGCACCCAGGGTCCCAACGGCACCAGCGGTGTTCAGGGTGT-3'
Protein context (NP_001844.3, residues 461-481): LVGPKGESGS[Arg471Leu]GELGPKGTQG